The following is an entry in ClinVar:

NM_001164508.2(NEB):c.3255+2dup

Gene: NEB (nebulin; minus strand). Cytogenetic location: 2q23.3.
Variant type: Duplication.
Coding change: c.3255+2dup on transcript NM_001164508.2 (MANE Select); the canonical splice donor site of the intron after coding-DNA position 3255, one base duplicated (T; older notation c.3255+2dupT).
Molecular consequence: splice donor variant.
Genome position (GRCh38, 1-based): chr2:151,679,719, A duplicated on the plus strand (T on the coding strand, the reverse complement: NEB is on the minus strand). VCF-style (leftmost placement, unchanged base first): chr2-151679718-T-TA. GRCh37 (hg19) VCF-style: chr2-152536232-T-TA.
Other names: c.3255+2dup (NM_004543.5, NM_001164507.2, NM_001271208.2); c.3255+2dupT (NM_001271208.2, NM_001271208.1).
Identifiers: ClinVar variation 551957 (VCV000551957.12), dbSNP rs1276026682, ClinGen allele CA536641381.
Genomic context (GRCh38, chr2:151,679,718, plus strand): 5'-CAGACCCCAAGCCCACCCACCCACATTTTCTAGTTGCCCATGTATGACCACAGCTGGACT[T>TA]ACGTCACTCGCCGCCTGCCTGGCAGCTTTGGCAGCTCTGATGGGAATCGCATCAGTTCTC-3'

ClinVar aggregate classification (germline): Conflicting classifications of pathogenicity. Review status: criteria provided, conflicting classifications (1 of 4 stars). 7 submissions from 7 submitters: Pathogenic (1); Likely pathogenic (1); Uncertain significance (4). 1 of the submissions does not count toward it. Last evaluated 2025-11-10.

Conditions:
Nemaline myopathy. Also called: Myopathies, Nemaline. Identifiers: Orphanet 607, MedGen C0206157, MONDO:0018958.
Nemaline myopathy 2 (NEM2). Also called: Nemaline myopathy 2, autosomal recessive. Identifiers: MedGen C1850569, MONDO:0009725, OMIM 256030.
Arthrogryposis multiplex congenita 6. Identifiers: MedGen C5543431, MONDO:0030281, OMIM 619334.

Allele frequency attached by ClinVar (database versions not stated): gnomAD exomes below 0.00001; gnomAD 0.00001.

Submissions (7):

Myriad Genetics, Inc.
Classification: Uncertain significance for Nemaline myopathy 2. Last evaluated: 2025-11-10. Review status: criteria provided, single submitter. Criteria: Myriad Autosomal Dominant, Autosomal Recessive and X-Linked Classification Criteria (2023). Collection method: clinical testing. Allele origin: unknown.
Comment: NM_001271208.1(NEB):c.3255+2dupT is a variant in a canonical splice site classified as a variant of uncertain significance in the context of NEB-related nemaline myopathy. c.3255+2dupT has been observed in a case with relevant disease (PMID: 25205138). Relevant functional assessments of this variant are not available in the literature. c.3255+2dupT has been observed in referenced population frequency databases. In summary, there is insufficient evidence to classify NM_001271208.1(NEB):c.3255+2dupT as pathogenic or benign. Please note: this variant was assessed in the context of healthy population screening.

Women's Health and Genetics/Laboratory Corporation of America, LabCorp
Classification: Uncertain significance. Last evaluated: 2025-10-13. Review status: criteria provided, single submitter. Criteria: LabCorp Variant Classification Summary - May 2015. Collection method: clinical testing. Allele origin: germline.
Comment: Variant summary: NEB c.3255+2dupT alters a conserved nucleotide located close to a canonical splice site and therefore could affect mRNA splicing, leading to a significantly altered protein sequence. Several computational tools predict a significant impact on normal splicing: Four predict the variant abolishes a 5' splicing donor site. However, these predictions have yet to be confirmed by functional studies. The variant allele was found at a frequency of 4e-06 in 247968 control chromosomes. c.3255+2dupT has been observed in homozygous state in an individual affected with Nemaline Myopathy 2 (Lehtokari_2014). These data indicate that the variant may be associated with disease. To our knowledge, no experimental evidence demonstrating an impact on protein function has been reported. The following publication have been ascertained in the context of this evaluation (PMID: 25205138). ClinVar contains an entry for this variant (Variation ID: 551957). Based on the evidence outlined above, the variant was classified as VUS-possibly pathogenic.

GeneDx
Classification: Pathogenic. Last evaluated: 2025-04-30. Review status: criteria provided, single submitter. Criteria: GeneDx Variant Classification Process June 2021. Collection method: clinical testing. Allele origin: germline.
Comment: Canonical splice site variant predicted to result in an in-frame loss of the adjacent exon in a gene for which loss of function is a known mechanism of disease; Deletions involving coding exons of this gene are a known mechanism of disease (HGMD); Not observed at significant frequency in large population cohorts (gnomAD); This variant is associated with the following publications: (PMID: 25205138)

Broad Center for Mendelian Genomics, Broad Institute of MIT and Harvard
Classification: Uncertain significance for Nemaline myopathy. Last evaluated: 2025-03-20. Review status: criteria provided, single submitter. Criteria: ACMG Guidelines, 2015. Collection method: curation. Allele origin: germline. Inheritance: Autosomal recessive inheritance.
Comment: The c.3255+2dup variant in NEB has been identified in two individuals with nemaline myopathy (PMID: 25205138), and has been identified in 0.0003% (3/1079752) of European (non-Finnish) chromosomes by the Genome Aggregation Database (gnomAD; dbSNP ID: rs991716529). Although this variant has been seen in the general population in a heterozygous state, its frequency is low enough to be consistent with a recessive carrier frequency. This variant has also been reported in ClinVar (Variation ID: 551957) and has been interpreted as a variant of uncertain significance by Counsyl and Invitae. Of the 2 affected individuals, one of those was a homozygote, which increases the likelihood that the c.3255+2dup variant is pathogenic (PMID: 25205138). This variant is located in the 3‚Äô splice region. Computational tools do suggest an impact to splicing. However, this information is not predictive enough to determine pathogenicity. Four additional likely pathogenic/pathogenic variants, predicted to induce the same splicing effect as this variant, have been reported in ClinVar as being associated with nemaline myopathy, supporting that the c.3255+2dup variant may be pathogenic (Variation ID: 449502, 552035, 553174, 556478). In summary, while there is some suspicion for a pathogenic role, the clinical significance of this variant is uncertain. ACMG/AMP Criteria applied: PS1_moderate, PP3, PM2_supporting, PM3_supporting (Richards 2015).

Baylor Genetics
Classification: Likely pathogenic for Arthrogryposis multiplex congenita 6. Last evaluated: 2024-02-06. Review status: criteria provided, single submitter. Criteria: ACMG Guidelines, 2015. Collection method: clinical testing. Allele origin: unknown.

Labcorp Genetics (formerly Invitae), Labcorp
Classification: Uncertain significance for Nemaline myopathy 2. Last evaluated: 2021-08-26. Review status: criteria provided, single submitter. Criteria: Invitae Variant Classification Sherloc (09022015). Collection method: clinical testing. Allele origin: germline.
Comment: This sequence change falls in intron 32 of the NEB gene. It does not directly change the encoded amino acid sequence of the NEB protein. It affects a nucleotide within the consensus splice site of the intron. This variant is not present in population databases (ExAC no frequency). This variant has been observed in individuals with nemaline myopathy (PMID: 25205138). ClinVar contains an entry for this variant (Variation ID: 551957). Variants that disrupt the consensus splice site are a relatively common cause of aberrant splicing (PMID: 17576681, 9536098). Algorithms developed to predict the effect of sequence changes on RNA splicing suggest that this variant may disrupt the consensus splice site. In summary, the available evidence is currently insufficient to determine the role of this variant in disease. Therefore, it has been classified as a Variant of Uncertain Significance.

Counsyl
Classification: Uncertain significance for Nemaline myopathy 2. Last evaluated: 2017-05-19. Review status: no assertion criteria provided. Collection method: clinical testing. Allele origin: unknown. Not counted in ClinVar's aggregate classification.

Literature cited by the submitters: PubMed 25205138 (cited by 4 submitters); PubMed 17576681 (cited by Labcorp Genetics (formerly Invitae), Labcorp); PubMed 9536098 (cited by Labcorp Genetics (formerly Invitae), Labcorp).